The following is an entry in ClinVar:

ClinVar aggregate classification (germline): Pathogenic. Review status: criteria provided, multiple submitters, no conflicts (2 of 4 stars). 3 submissions from 3 submitters: Pathogenic (3). Last evaluated 2023-07-12.

Conditions:
Inborn genetic diseases. Identifiers: MedGen C0950123, MeSH D030342.
Lymphatic malformation 6 (LMPHM6). Also called: GENERALIZED LYMPHATIC DYSPLASIA OF FOTIOU; Lymphedema, hereditary, III; PIEZO1-related generalized lymphatic dysplasia with non-immune hydrops fetalis. Identifiers: Orphanet 568062, MedGen C4225184, MONDO:0014797, OMIM 616843.

Submissions (3):

Women's Health and Genetics/Laboratory Corporation of America, LabCorp
Classification: Pathogenic for Lymphatic malformation 6. Last evaluated: 2023-07-12. Review status: criteria provided, single submitter. Criteria: LabCorp Variant Classification Summary - May 2015. Collection method: clinical testing. Allele origin: germline.
Comment: Variant summary: FAM38A c.4275_4278delTGAG (p.Ser1425ArgfsX27) results in a premature termination codon, predicted to cause a truncation of the encoded protein or absence of the protein due to nonsense mediated decay, which are commonly known mechanisms for disease. The variant was absent in 152276 control chromosomes (gnomAD v3.1.2). To our knowledge, no occurrence of c.4275_4278delTGAG in individuals affected with Lymphedema, Hereditary, III and no experimental evidence demonstrating its impact on protein function have been reported. Two submitters have reported clinical-significance assessments for this variant to ClinVar after 2014. Both submitters classified the variant as pathogenic. Based on the evidence outlined above, the variant was classified as pathogenic.

ARUP Laboratories, Molecular Genetics and Genomics, ARUP Laboratories
Classification: Pathogenic. Last evaluated: 2021-02-24. Review status: criteria provided, single submitter. Criteria: ARUP Molecular Germline Variant Investigation Process 2021. Collection method: clinical testing. Allele origin: germline.

Ambry Genetics
Classification: Pathogenic for Inborn genetic diseases. Last evaluated: 2018-02-11. Review status: criteria provided, single submitter. Criteria: Ambry exome assertion method (8-5-2015). Collection method: clinical testing. Allele origin: germline. Affected: yes. Observed: 1 variant allele.

NM_001142864.4(PIEZO1):c.4275_4278del (p.Ser1425fs)

Gene: PIEZO1 (piezo type mechanosensitive ion channel component 1 (Er blood group); minus strand). Cytogenetic location: 16q24.3.
Variant type: Deletion.
Coding change: c.4275_4278del on transcript NM_001142864.4 (MANE Select); coding-DNA positions 4275 to 4278, 4 bases deleted (TGAG; older notation c.4275_4278delTGAG).
Protein change: p.Ser1425fs; shifts the reading frame from serine 1425.
Molecular consequence: frameshift variant.
Genome position (GRCh38, 1-based): chr16:88,723,928-88,723,931, CTCA deleted on the plus strand (TGAG on the coding strand, the reverse complement: PIEZO1 is on the minus strand); deleting any 4 consecutive bases within chr16:88,723,928-88,723,933 gives the same sequence; the c. name uses the placement nearest the transcript's 3' end. VCF-style (leftmost placement, unchanged base first): chr16-88723927-CCTCA-C. GRCh37 (hg19) VCF-style: chr16-88790335-CCTCA-C.
Other names: c.4275_4278delTGAG (NM_001142864.3); short protein forms S1425fs.
Identifiers: ClinVar variation 985646 (VCV000985646.10), dbSNP rs1904304634, ClinGen allele CA1139664874.